The following is an entry in ClinVar:

NM_024642.5(GALNT12):c.1616T>A (p.Leu539Ter)

Gene: GALNT12 (polypeptide N-acetylgalactosaminyltransferase 12; plus strand). Cytogenetic location: 9q22.33.
Variant type: single nucleotide variant.
Coding change: c.1616T>A on transcript NM_024642.5 (MANE Select); coding-DNA position 1616, T replaced by A.
Protein change: p.Leu539Ter; replaces leucine 539 with a stop codon.
Molecular consequence: nonsense.
Genome position (GRCh38, 1-based): chr9:98,848,962, T>A. VCF-style: chr9-98848962-T-A. GRCh37 (hg19) VCF-style: chr9-101611244-T-A.
Other names: short protein forms L539*.
Identifiers: ClinVar variation 998462 (VCV000998462.7), dbSNP rs1836484153, ClinGen allele CA374222698.
Genomic context (GRCh38, chr9:98,848,962, plus strand): 5'-AAAAAGAGACTTTTCTGATGACTTGCCTGTCATTCTGTTATCTTTTGTAGGATGGATCTT[T>A]ATTTCACGAACAGTCCAAGAAATGTGTCCAGGCTGCGAGGAAGGAGTCGAGTGACAGTTT-3'

ClinVar aggregate classification (germline): Uncertain significance (1 of 4 stars; one submission).

Submission:

Labcorp Genetics (formerly Invitae), Labcorp
Classification: Uncertain significance. Last evaluated: 2020-01-05. Review status: criteria provided, single submitter. Criteria: Invitae Variant Classification Sherloc (09022015). Collection method: clinical testing. Allele origin: germline.
Comment: In summary, the available evidence is currently insufficient to determine the role of this variant in disease. Therefore, it has been classified as a Variant of Uncertain Significance. Experimental studies and prediction algorithms are not available or were not evaluated, and the functional significance of this variant is currently unknown. This variant has not been reported in the literature in individuals with GALNT12-related conditions. This variant is not present in population databases (ExAC no frequency). This sequence change results in a premature translational stop signal in the GALNT12 gene (p.Leu539*). While this is not anticipated to result in nonsense mediated decay, it is expected to disrupt the last 43 amino acids of the GALNT12 protein.